The following is an entry in ClinVar:

ClinVar aggregate classification (germline): Uncertain significance (1 of 4 stars; one submission).

Conditions:
Intellectual developmental disorder, X-linked 1. Also called: MENTAL RETARDATION, X-LINKED 18; MENTAL RETARDATION, X-LINKED 78; Intellectual disability, X-linked 1; Atkin Flaitz Patil Smith syndrome. Identifiers: Orphanet 777, MedGen C2931498, MONDO:0010656, OMIM 309530.

Allele frequency attached by ClinVar (database versions not stated): gnomAD exomes 0.00002.
gnomAD v4.1: 7 of 1,167,564 alleles (0.0006%); highest among the groups gnomAD compares: East Asian, 0.0033%; no homozygotes.

Submission:

Labcorp Genetics (formerly Invitae), Labcorp
Classification: Uncertain significance for Intellectual developmental disorder, X-linked 1. Last evaluated: 2025-06-19. Review status: criteria provided, single submitter. Criteria: Invitae Variant Classification Sherloc (09022015). Collection method: clinical testing. Allele origin: germline.
Comment: This sequence change replaces arginine, which is basic and polar, with proline, which is neutral and non-polar, at codon 131 of the IQSEC2 protein (p.Arg131Pro). The frequency data for this variant in the population databases is considered unreliable, as metrics indicate poor data quality at this position in the gnomAD database. This variant has not been reported in the literature in individuals affected with IQSEC2-related conditions. ClinVar contains an entry for this variant (Variation ID: 538605). Invitae Evidence Modeling of protein sequence and biophysical properties (such as structural, functional, and spatial information, amino acid conservation, physicochemical variation, residue mobility, and thermodynamic stability) indicates that this missense variant is not expected to disrupt IQSEC2 protein function with a negative predictive value of 95%. In summary, the available evidence is currently insufficient to determine the role of this variant in disease. Therefore, it has been classified as a Variant of Uncertain Significance.

NM_001111125.3(IQSEC2):c.392G>C (p.Arg131Pro)

Gene: IQSEC2 (IQ motif and Sec7 domain ArfGEF 2; minus strand). Cytogenetic location: Xp11.22.
Variant type: single nucleotide variant.
Coding change: c.392G>C on transcript NM_001111125.3 (MANE Select); coding-DNA position 392, G replaced by C.
Protein change: p.Arg131Pro; replaces arginine 131 with proline.
Molecular consequence: missense variant.
Genome position (GRCh38, 1-based): chrX:53,320,732, C>G on the plus strand (G>C on the coding strand, the complement: IQSEC2 is on the minus strand). VCF-style: chrX-53320732-C-G. GRCh37 (hg19) VCF-style: chrX-53349930-C-G.
Other names: short protein forms R131P.
Identifiers: ClinVar variation 538605 (VCV000538605.9), dbSNP rs1556880174, ClinGen allele CA413239449.
Genomic context (GRCh38, chrX:53,320,732, plus strand): 5'-TCGCGGGCTGTGTAACCGGTAGTGTCCTGGAGCGGGTAGGAGGCGTCCCGCTCCTTGTCC[C>G]GATACACAGCCTCCCGATTCTGGTAGGCGCCTTCCCGGTTCGGGTAGCCCACGTCCCGGG-3'
Protein context (NP_001104595.1, residues 121-141): GAYQNREAVY[Arg131Pro]DKERDASYPL